The following is an entry in ClinVar:

NM_001378964.1(CDON):c.*3176C>G

Gene: CDON (cell adhesion associated, oncogene regulated; minus strand). Cytogenetic location: 11q24.2.
Variant type: single nucleotide variant.
Coding change: c.*3176C>G on transcript NM_001378964.1 (MANE Select); 3176 bases downstream of the stop codon, C replaced by G.
Molecular consequence: 3 prime UTR variant.
Genome position (GRCh38, 1-based): chr11:125,957,766, G>C on the plus strand (C>G on the coding strand, the complement: CDON is on the minus strand). VCF-style: chr11-125957766-G-C. GRCh37 (hg19) VCF-style: chr11-125827661-G-C.
Other names: c.*3176C>G (NM_001243597.3, NM_016952.6).
Identifiers: ClinVar variation 303391 (VCV000303391.5), dbSNP rs187258536, ClinGen allele CA10634005.

ClinVar aggregate classification (germline): Likely benign (1 of 4 stars; one submission).

Conditions:
Holoprosencephaly 11 (HPE11). Identifiers: Orphanet 2162, MedGen C3280215, MONDO:0013642, OMIM 614226.

Allele frequency attached by ClinVar (database versions not stated): 1000 Genomes Project 0.00160; 1000 Genomes Project 30x 0.00141; gnomAD 0.00283; TOPMed 0.00325.

Submission:

Illumina Laboratory Services, Illumina
Classification: Likely benign for Holoprosencephaly 11. Last evaluated: 2018-01-13. Review status: criteria provided, single submitter. Criteria: ICSL Variant Classification Criteria 13 December 2019. Collection method: clinical testing. Allele origin: germline.
Comment: This variant was observed in the ICSL laboratory as part of a predisposition screen in an ostensibly healthy population. It had not been previously curated by ICSL or reported in the Human Gene Mutation Database (HGMD: prior to June 1st, 2018), and was therefore a candidate for classification through an automated scoring system. Utilizing variant allele frequency, disease prevalence and penetrance estimates, and inheritance mode, an automated score was calculated to assess if this variant is too frequent to cause the disease. Based on the score and internal cut-off values, a variant classified as likely benign is not then subjected to further curation. The score for this variant resulted in a classification of likely benign for this disease.